The following is an entry in ClinVar:

ClinVar aggregate classification (germline): Benign/Likely benign. Review status: criteria provided, multiple submitters, no conflicts (2 of 4 stars). 10 submissions from 9 submitters: Benign (3); Likely benign (5). 2 of the submissions do not count toward it. Last evaluated 2026-06-05.

Conditions:
Graves disease, susceptibility to, 1 (GRD). Identifiers: MedGen C1848795, MONDO:0100489, OMIM 275000.
Familial hyperthyroidism due to mutations in TSH receptor. Also called: TOXIC THYROID HYPERPLASIA, AUTOSOMAL DOMINANT; HYPERTHYROIDISM, CONGENITAL NONAUTOIMMUNE; HYPERTHYROIDISM, NONAUTOIMMUNE, AUTOSOMAL DOMINANT. Identifiers: Orphanet 424, MedGen C1836706, MONDO:0012203, OMIM 609152.
Hypothyroidism due to TSH receptor mutations. Also called: HYPOTHYROIDISM DUE TO UNRESPONSIVENESS TO THYROTROPIN; HYPOTHYROIDISM, CONGENITAL, DUE TO TSH RESISTANCE; HYPOTHYROIDISM, NONAUTOIMMUNE; THYROID-STIMULATING HORMONE, RESISTANCE TO; TSH RESISTANCE; Hypothyroidism, congenital, nongoitrous, 1. Identifiers: Orphanet 90673, MedGen C3493776, MONDO:0010142, OMIM 275200.

Allele frequency attached by ClinVar (database versions not stated): 1000 Genomes Project 0.00140; 1000 Genomes Project 30x 0.00141; TOPMed 0.00457; gnomAD 0.00489 and 0.00505; gnomAD exomes 0.00517 and 0.00729; ExAC 0.00602.
gnomAD v4.1: 11,249 of 1,614,204 alleles (0.7%); highest among the groups gnomAD compares: Non-Finnish European, 0.87%; 47 homozygotes.

Submissions (10):

Women's Health and Genetics/Laboratory Corporation of America, LabCorp
Classification: Likely benign. Last evaluated: 2026-06-05. Review status: criteria provided, single submitter. Criteria: LabCorp Variant Classification Summary - May 2015. Collection method: clinical testing. Allele origin: germline.
Comment: Variant summary: TSHR c.106G>C (p.Asp36His) results in a non-conservative amino acid change in the encoded protein sequence. Algorithms developed to predict the effect of missense changes on protein structure and function are either unavailable or do not agree on the potential impact of this missense change. The variant allele was found at a frequency of 0.0052 in 250062 control chromosomes, predominantly at a frequency of 0.0093 within the Non-Finnish European subpopulation in the gnomAD database, including 10 homozygotes. The observed variant frequency within Non-Finnish European control individuals in the gnomAD database exceeds the estimated maximal expected allele frequency for disease-causing variants in TSHR. c.106G>C has been reported in heterozygous individuals affected with Graves disease and subclinical hypothyroidism/hyperthyrotropinemia; however, the variant was also observed in unaffected relatives and control individuals in these studies (Gustavsson_1995, Teofoli_2007). These reports do not provide unequivocal conclusions about the association of the variant with disease. At least one publication reports experimental evidence evaluating an impact on protein function; however, no abnormal effect was detected (Gustavsson_1995). The following publications have been ascertained in the context of this evaluation (PMID: 7556878, 17392608).ClinVar contains an entry for this variant (Variation ID: 6430). Based on the evidence outlined above, the variant was classified as likely benign.

CeGaT Center for Human Genetics Tuebingen
Classification: Likely benign. Last evaluated: 2026-06-01. Review status: criteria provided, single submitter. Criteria: CeGaT Center For Human Genetics Tuebingen Variant Classification Criteria Version 2. Collection method: clinical testing. Allele origin: germline. Affected: yes. Observed: 13 variant alleles.
Comment: TSHR: BP4, BS2

Labcorp Genetics (formerly Invitae), Labcorp
Classification: Benign. Last evaluated: 2026-01-28. Review status: criteria provided, single submitter. Criteria: Invitae Variant Classification Sherloc (09022015). Collection method: clinical testing. Allele origin: germline.

Illumina Laboratory Services, Illumina
Classification: Likely benign for Hypothyroidism due to TSH receptor mutations. Last evaluated: 2017-04-27. Review status: criteria provided, single submitter. Criteria: ICSL Variant Classification Criteria 13 December 2019. Collection method: clinical testing. Allele origin: germline.
Comment: This variant was observed as part of a predisposition screen in an ostensibly healthy population. A literature search was performed for the gene, cDNA change, and amino acid change (where applicable). Publications were found based on this search. The evidence from the literature, in combination with allele frequency data from public databases where available, was sufficient to determine this variant is unlikely to cause disease. Therefore, this variant is classified as likely benign.

Illumina Laboratory Services, Illumina
Classification: Likely benign for Familial hyperthyroidism due to mutations in TSH receptor. Last evaluated: 2017-04-27. Review status: criteria provided, single submitter. Criteria: ICSL Variant Classification Criteria 13 December 2019. Collection method: clinical testing. Allele origin: germline.
Comment: This variant was observed as part of a predisposition screen in an ostensibly healthy population. A literature search was performed for the gene, cDNA change, and amino acid change (where applicable). No publications were found based on this search. Allele frequency data from public databases allowed determination this variant is unlikely to cause disease. Therefore, this variant is classified as likely benign.

Eurofins Ntd Llc (ga)
Classification: Benign. Last evaluated: 2017-04-25. Review status: criteria provided, single submitter. Criteria: EGL Classification Definitions 2015. Collection method: clinical testing. Allele origin: germline. Observed: 1 variant allele, 1 heterozygote.

Breakthrough Genomics
Classification: Likely benign. Review status: criteria provided, single submitter. Criteria: ACMG Guidelines, 2015. Collection method: not provided. Allele origin: germline. Inheritance: Autosomal recessive inheritance. Affected: yes.

PreventionGenetics, part of Exact Sciences
Classification: Benign. Review status: criteria provided, single submitter. Criteria: ACMG Guidelines, 2015. Collection method: clinical testing. Allele origin: germline.

ITMI
No classification provided. Condition: AllHighlyPenetrant. Last evaluated: 2013-09-19. Review status: no classification provided. Collection method: reference population. Allele origin: germline. Not counted in ClinVar's aggregate classification.
Comment: Please see associated publication for description of ethnicities

OMIM
Classification: Benign for TSHR POLYMORPHISM. Last evaluated: 1999-01-01. Review status: no assertion criteria provided. Collection method: literature only. Allele origin: unknown. Not counted in ClinVar's aggregate classification.

Literature cited by the submitters: PubMed 7556878 (cited by Women's Health and Genetics/Laboratory Corporation of America, LabCorp); PubMed 17392608 (cited by Women's Health and Genetics/Laboratory Corporation of America, LabCorp); PubMed 17062880 (cited by Illumina Laboratory Services, Illumina); PubMed 24728327 (cited by ITMI); PubMed 1955520 (cited by OMIM); PubMed 9385128 (cited by OMIM); PubMed 10037069 (cited by OMIM).

NM_000369.5(TSHR):c.106G>C (p.Asp36His)

Genes: CEP128 (centrosomal protein 128; minus strand), TSHR (thyroid stimulating hormone receptor; plus strand). Cytogenetic location: 14q31.1.
Variant type: single nucleotide variant.
Coding change: c.106G>C on transcript NM_000369.5 (MANE Select); coding-DNA position 106, G replaced by C.
Protein change: p.Asp36His; replaces aspartic acid 36 with histidine.
Molecular consequence: missense variant.
Genome position (GRCh38, 1-based): chr14:80,955,786, G>C. VCF-style: chr14-80955786-G-C. GRCh37 (hg19) VCF-style: chr14-81422130-G-C.
Other names: c.106G>C, p.Asp36His (NM_001018036.3, NM_001142626.3); short protein forms D36H.
Identifiers: ClinVar variation 6430 (VCV000006430.49), dbSNP rs61747482, ClinGen allele CA118191.
Genomic context (GRCh38, chr14:80,955,786, plus strand): 5'-CCCAGGGACCTGGGCGGAATGGGGTGTTCGTCTCCACCCTGCGAGTGCCATCAGGAGGAG[G>C]ACTTCAGAGTCACCTGCAAGGATATTCAACGCATCCCCAGCTTACCGCCCAGTACGCAGA-3'
Protein context (NP_000360.2, residues 26-46): SPPCECHQEE[Asp36His]FRVTCKDIQR